The following is an entry in ClinVar:

ClinVar aggregate classification (germline): Uncertain significance (1 of 4 stars; one submission).

gnomAD v4.1: 2 of 1,613,926 alleles (0.00012%); highest among the groups gnomAD compares: Admixed American, 0.0017%; no homozygotes.

Submission:

Labcorp Genetics (formerly Invitae), Labcorp
Classification: Uncertain significance. Last evaluated: 2022-01-26. Review status: criteria provided, single submitter. Criteria: Invitae Variant Classification Sherloc (09022015). Collection method: clinical testing. Allele origin: germline.
Comment: Algorithms developed to predict the effect of missense changes on protein structure and function output the following: SIFT: "Tolerated"; PolyPhen-2: "Benign"; Align-GVGD: "Class C0". The glycine amino acid residue is found in multiple mammalian species, which suggests that this missense change does not adversely affect protein function. In summary, the available evidence is currently insufficient to determine the role of this variant in disease. Therefore, it has been classified as a Variant of Uncertain Significance. Algorithms developed to predict the effect of sequence changes on RNA splicing suggest that this variant may create or strengthen a splice site. This variant has not been reported in the literature in individuals affected with SUCO-related conditions. This variant is not present in population databases (gnomAD no frequency). This sequence change replaces aspartic acid, which is acidic and polar, with glycine, which is neutral and non-polar, at codon 717 of the SUCO protein (p.Asp717Gly).

NM_014283.5(SUCO):c.2150A>G (p.Asp717Gly)

Gene: SUCO (SUN domain containing ossification factor; plus strand). Cytogenetic location: 1q24.3.
Variant type: single nucleotide variant.
Coding change: c.2150A>G on transcript NM_014283.5 (MANE Select); coding-DNA position 2150, A replaced by G.
Protein change: p.Asp717Gly; replaces aspartic acid 717 with glycine.
Molecular consequence: missense variant. On other transcripts: intron variant (1).
Genome position (GRCh38, 1-based): chr1:172,589,251, A>G. VCF-style: chr1-172589251-A-G. GRCh37 (hg19) VCF-style: chr1-172558391-A-G.
Other names: c.461A>G, p.Asp154Gly (NM_001282751.2); c.2603A>G, p.Asp868Gly (NM_016227.4); c.1712+327A>G (NM_001282750.2); short protein forms D154G, D717G, D868G.
Identifiers: ClinVar variation 1963839 (VCV001963839.5), dbSNP rs1656453274, ClinGen allele CA343743129.